The following is an entry in ClinVar:

ClinVar aggregate classification (germline): Uncertain significance (1 of 4 stars; one submission).

Submission:

GeneDx
Classification: Uncertain significance. Last evaluated: 2026-09-28. Review status: criteria provided, single submitter. Criteria: GeneDx Variant Classification Process June 2021. Collection method: clinical testing. Allele origin: germline.
Comment: Not observed at significant frequency in large population cohorts (gnomAD); In silico analysis supports that this missense variant does not alter protein structure/function; Has not been previously published as pathogenic or benign to our knowledge

NM_001318852.2(MAPK8IP3):c.2218A>T (p.Thr740Ser)

Gene: MAPK8IP3 (mitogen-activated protein kinase 8 interacting protein 3; plus strand). Cytogenetic location: 16p13.3.
Variant type: single nucleotide variant.
Coding change: c.2218A>T on transcript NM_001318852.2 (MANE Select); coding-DNA position 2218, A replaced by T.
Protein change: p.Thr740Ser; replaces threonine 740 with serine.
Molecular consequence: missense variant.
Genome position (GRCh38, 1-based): chr16:1,764,397, A>T. VCF-style: chr16-1764397-A-T. GRCh37 (hg19) VCF-style: chr16-1814398-A-T.
Other names: c.2197A>T, p.Thr733Ser (NM_001040439.2); c.2215A>T, p.Thr739Ser (NM_015133.5, NM_033392.3); short protein forms T733S, T739S, T740S.
Identifiers: ClinVar variation 1710905 (VCV001710905.3), dbSNP rs2548103971, ClinGen allele CA394233904.
Genomic context (GRCh38, chr16:1,764,397, plus strand): 5'-AGGCCCAATGAGGACGACGCTGGGAATGGAGTCAAGCCAGCGCCAGGCCGCGATCCCCTG[A>T]CCTGCGACCGCGAAGGAGACGGCGAGCCCAAGAGCGCCCACACGTCTCCCGAGAAGAAGA-3'
Protein context (NP_001305781.1, residues 730-750): VKPAPGRDPL[Thr740Ser]CDREGDGEPK